The following is an entry in ClinVar:

NM_001374675.1(HSF4):c.680C>A (p.Thr227Asn)

Gene: HSF4 (heat shock transcription factor 4; plus strand). Cytogenetic location: 16q22.1.
Variant type: single nucleotide variant.
Coding change: c.680C>A on transcript NM_001374675.1 (MANE Select); coding-DNA position 680, C replaced by A.
Protein change: p.Thr227Asn; replaces threonine 227 with asparagine.
Molecular consequence: missense variant.
Genome position (GRCh38, 1-based): chr16:67,167,173, C>A. VCF-style: chr16-67167173-C-A. GRCh37 (hg19) VCF-style: chr16-67201076-C-A.
Other names: c.680C>A, p.Thr227Asn (NM_001040667.3, NM_001374674.1, NM_001538.4); short protein forms T227N.
Identifiers: ClinVar variation 885525 (VCV000885525.34), dbSNP rs200708134, ClinGen allele CA8101931.

ClinVar aggregate classification (germline): Conflicting classifications of pathogenicity. Review status: criteria provided, conflicting classifications (1 of 4 stars). 5 submissions from 5 submitters: Uncertain significance (1); Benign (2); Likely benign (1). 1 of the submissions does not count toward it. Last evaluated 2024-10-29.

Conditions:
HSF4-related disorder. Also called: HSF4-related condition.
Cataract 5 multiple types (CTRCT5). Also called: CATARACT, MARNER TYPE; CATARACT 5, LAMELLAR; Lamellar cataract. Identifiers: Orphanet 91492, MedGen C0266537, MONDO:0007290, OMIM 116800, HP:0007971.
Inborn genetic diseases. Identifiers: MedGen C0950123, MeSH D030342.

Allele frequency attached by ClinVar (database versions not stated): ESP Exome Variant Server 0.00024; gnomAD 0.00025; ExAC 0.00032; TOPMed 0.00032; gnomAD exomes 0.00040.
gnomAD v4.1: 398 of 1,614,092 alleles (0.025%); highest among the groups gnomAD compares: Middle Eastern, 0.033%; 2 homozygotes.

Submissions (5):

Labcorp Genetics (formerly Invitae), Labcorp
Classification: Likely benign for Cataract 5 multiple types. Last evaluated: 2024-10-29. Review status: criteria provided, single submitter. Criteria: Invitae Variant Classification Sherloc (09022015). Collection method: clinical testing. Allele origin: germline.

CeGaT Center for Human Genetics Tuebingen
Classification: Benign. Last evaluated: 2023-02-01. Review status: criteria provided, single submitter. Criteria: CeGaT Center For Human Genetics Tuebingen Variant Classification Criteria Version 2. Collection method: clinical testing. Allele origin: germline. Affected: yes. Observed: 1 variant allele.
Comment: HSF4: BP4, BS1, BS2

Ambry Genetics
Classification: Uncertain significance for Inborn genetic diseases. Last evaluated: 2022-10-27. Review status: criteria provided, single submitter. Criteria: Ambry Variant Classification Scheme 2023. Collection method: clinical testing. Allele origin: germline.

Illumina Laboratory Services, Illumina
Classification: Benign for Cataract 5 multiple types. Last evaluated: 2018-01-13. Review status: criteria provided, single submitter. Criteria: ICSL Variant Classification Criteria 13 December 2019. Collection method: clinical testing. Allele origin: germline.
Comment: This variant was observed in the ICSL laboratory as part of a predisposition screen in an ostensibly healthy population. It had not been previously curated by ICSL or reported in the Human Gene Mutation Database (HGMD: prior to June 1st, 2018), and was therefore a candidate for classification through an automated scoring system. Utilizing variant allele frequency, disease prevalence and penetrance estimates, and inheritance mode, an automated score was calculated to assess if this variant is too frequent to cause the disease. Based on the score and internal cut-off values, a variant classified as benign is not then subjected to further curation. The score for this variant resulted in a classification of benign for this disease.

PreventionGenetics, part of Exact Sciences
Classification: Likely benign for HSF4-related condition. Last evaluated: 2020-09-24. Review status: no assertion criteria provided. Collection method: clinical testing. Allele origin: germline. Not counted in ClinVar's aggregate classification.
Comment: This variant is classified as likely benign based on ACMG/AMP sequence variant interpretation guidelines (Richards et al. 2015 PMID: 25741868, with internal and published modifications).